The following is an entry in ClinVar:

NM_016038.4(SBDS):c.13del (p.Thr5fs)

Gene: SBDS (SBDS ribosome maturation factor; minus strand). Cytogenetic location: 7q11.21.
Variant type: Deletion.
Coding change: c.13del on transcript NM_016038.4 (MANE Select); coding-DNA position 13, one base deleted (A; older notation c.13delA).
Protein change: p.Thr5fs; shifts the reading frame from threonine 5.
Molecular consequence: frameshift variant.
Genome position (GRCh38, 1-based): chr7:66,995,405, T deleted on the plus strand (A on the coding strand, the reverse complement: SBDS is on the minus strand). VCF-style (leftmost placement, unchanged base first): chr7-66995404-GT-G. GRCh37 (hg19) VCF-style: chr7-66460391-GT-G.
Other names: NM_016038.4(SBDS):c.13del; p.Thr5fs; c.13del (LRG_104t1, NM_016038.2); short protein forms T5fs.
Identifiers: ClinVar variation 449094 (VCV000449094.7), dbSNP rs772797192, ClinGen allele CA4279291.

ClinVar aggregate classification (germline): Pathogenic/Likely pathogenic. Review status: criteria provided, multiple submitters, no conflicts (2 of 4 stars). 4 submissions from 4 submitters: Pathogenic (3); Likely pathogenic (1). Last evaluated 2025-02-07.

Conditions:
Aplastic anemia. Identifiers: Orphanet 182040, Orphanet 88, MedGen C0002874, MONDO:0015909, OMIM 609135, HP:0001915.
Shwachman-Diamond syndrome 1 (SDS1). Also called: LIPOMATOSIS OF PANCREAS, CONGENITAL. Identifiers: MedGen C4692625, MONDO:0044204, OMIM 260400.

Allele frequency attached by ClinVar (database versions not stated): ExAC 0.00001; gnomAD 0.00001; TOPMed 0.00002; gnomAD exomes 0.00001.

Submissions (4):

Broad Center for Mendelian Genomics, Broad Institute of MIT and Harvard
Classification: Pathogenic for Shwachman-Diamond syndrome 1. Last evaluated: 2025-02-07. Review status: criteria provided, single submitter. Criteria: ACMG Guidelines, 2015. Collection method: curation. Allele origin: germline. Inheritance: Autosomal recessive inheritance.
Comment: The p.Thr5ProfsTer8 variant has been reported, in the compound heterozygous state, in 1 individual with Shwachman-Diamond syndrome (PMID: 22491737), and has been identified in 0.004% (3/74940) of African/African American chromosomes by the Genome Aggregation Database (gnomAD; dbSNP rs772797192). Although this variant has been seen in the general population in a heterozygous state, its frequency is low enough to be consistent with a recessive carrier frequency. The presence of a known pseudogene, SBDSP1, can impact the reliability of allele frequencies. This variant has also been reported in ClinVar (Variation ID: 449094) and has been interpreted as pathogenic/likely pathogenic by GeneDx, Baylor Genetics, and LabCorp. This variant is predicted to cause a frameshift, which alters the protein's amino acid sequence beginning at position 5, and leads to a premature termination codon 8 amino acids downstream. This alteration is then predicted to lead to a truncated or absent protein. Loss of function of the SBDS gene is an established disease mechanism in autosomal recessive Shwachman-Diamond syndrome. In summary, this variant meets criteria to be classified as pathogenic for autosomal recessive Shwachman-Diamond syndrome. ACMG/AMP Criteria applied: PVS1, PM2_supporting, PM3_supporting (Richards 2015).

GeneDx
Classification: Likely pathogenic. Last evaluated: 2024-04-09. Review status: criteria provided, single submitter. Criteria: GeneDx Variant Classification Process June 2021. Collection method: clinical testing. Allele origin: germline. Affected: yes.
Comment: Frameshift variant predicted to result in protein truncation or nonsense mediated decay in a gene for which loss of function is a known mechanism of disease; This variant is associated with the following publications: (PMID: 22491737)

Baylor Genetics
Classification: Pathogenic for Aplastic anemia. Last evaluated: 2024-03-19. Review status: criteria provided, single submitter. Criteria: ACMG Guidelines, 2015. Collection method: clinical testing. Allele origin: unknown.

Women's Health and Genetics/Laboratory Corporation of America, LabCorp
Classification: Pathogenic for Shwachman-Diamond syndrome 1. Last evaluated: 2023-04-01. Review status: criteria provided, single submitter. Criteria: LabCorp Variant Classification Summary - May 2015. Collection method: clinical testing. Allele origin: germline.
Comment: Variant summary: SBDS c.13delA (p.Thr5ProfsX8) results in a premature termination codon, predicted to result in an absence of the protein due to nonsense mediated decay, which is a commonly known mechanism for disease. Truncations downstream of this position have been observed in assciation with Shwachman-Diamond Syndrome in the HGMD database. The variant allele was found at a frequency of 8e-06 in 251372 control chromosomes. c.13delA has been reported in the literature in individuals affected with Shwachman-Diamond Syndrome 1 (example, Donadieu_2012). One clinical diagnostic laboratory has submitted clinical-significance assessments for this variant to ClinVar after 2014 and classified the variant as pathogenic. Based on the evidence outlined above, the variant was classified as pathogenic.

Literature cited by the submitters: PubMed 22491737 (cited by Women's Health and Genetics/Laboratory Corporation of America, LabCorp).